The following is an entry in ClinVar:

ClinVar aggregate classification (germline): Uncertain significance (1 of 4 stars; one submission).

Submission:

Labcorp Genetics (formerly Invitae), Labcorp
Classification: Uncertain significance. Last evaluated: 2024-02-26. Review status: criteria provided, single submitter. Criteria: Invitae Variant Classification Sherloc (09022015). Collection method: clinical testing. Allele origin: germline.
Comment: This sequence change replaces alanine, which is neutral and non-polar, with serine, which is neutral and polar, at codon 1035 of the AHDC1 protein (p.Ala1035Ser). This variant is not present in population databases (gnomAD no frequency). This variant has not been reported in the literature in individuals affected with AHDC1-related conditions. An algorithm developed to predict the effect of missense changes on protein structure and function (PolyPhen-2) suggests that this variant is likely to be disruptive. In summary, the available evidence is currently insufficient to determine the role of this variant in disease. Therefore, it has been classified as a Variant of Uncertain Significance.

NM_001371928.1(AHDC1):c.3103G>T (p.Ala1035Ser)

Gene: AHDC1 (AT-hook DNA binding motif containing 1; minus strand). Cytogenetic location: 1p36.11.
Variant type: single nucleotide variant.
Coding change: c.3103G>T on transcript NM_001371928.1 (MANE Select); coding-DNA position 3103, G replaced by T.
Protein change: p.Ala1035Ser; replaces alanine 1035 with serine.
Molecular consequence: missense variant.
Genome position (GRCh38, 1-based): chr1:27,549,013, C>A on the plus strand (G>T on the coding strand, the complement: AHDC1 is on the minus strand). VCF-style: chr1-27549013-C-A. GRCh37 (hg19) VCF-style: chr1-27875524-C-A.
Other names: c.3103G>T, p.Ala1035Ser (NM_001029882.3); short protein forms A1035S.
Identifiers: ClinVar variation 3643394 (VCV003643394.2).